The following is an entry in ClinVar:

ClinVar aggregate classification (germline): Uncertain significance (1 of 4 stars; one submission).

Allele frequency attached by ClinVar (database versions not stated): gnomAD exomes below 0.00001.
gnomAD v4.1: 1 of 1,614,018 alleles (0.000062%); highest among the groups gnomAD compares: Non-Finnish European, 0.000085%; no homozygotes.

Submission:

GeneDx
Classification: Uncertain significance. Last evaluated: 2022-12-05. Review status: criteria provided, single submitter. Criteria: GeneDx Variant Classification Process June 2021. Collection method: clinical testing. Allele origin: germline. Affected: yes.
Comment: Not observed at significant frequency in large population cohorts (gnomAD); In silico analysis supports that this missense variant has a deleterious effect on protein structure/function; Has not been previously published as pathogenic or benign to our knowledge

NM_018263.6(ASXL2):c.2087G>T (p.Gly696Val)

Gene: ASXL2 (ASXL transcriptional regulator 2; minus strand). Cytogenetic location: 2p23.3.
Variant type: single nucleotide variant.
Coding change: c.2087G>T on transcript NM_018263.6 (MANE Select); coding-DNA position 2087, G replaced by T.
Protein change: p.Gly696Val; replaces glycine 696 with valine.
Molecular consequence: missense variant.
Genome position (GRCh38, 1-based): chr2:25,744,250, C>A on the plus strand (G>T on the coding strand, the complement: ASXL2 is on the minus strand). VCF-style: chr2-25744250-C-A. GRCh37 (hg19) VCF-style: chr2-25967119-C-A.
Other names: c.1913G>T, p.Gly638Val (NM_001369346.1); c.1307G>T, p.Gly436Val (NM_001369347.1); short protein forms G436V, G638V, G696V.
Identifiers: ClinVar variation 2504257 (VCV002504257.1), dbSNP rs1262414318, ClinGen allele CA346082162.